The following is an entry in ClinVar:

ClinVar aggregate classification (germline): Uncertain significance (1 of 4 stars; one submission).

gnomAD v4.1: 1 of 1,613,500 alleles (0.000062%); highest among the groups gnomAD compares: East Asian, 0.0022%; no homozygotes.

Submission:

Ambry Genetics
Classification: Uncertain significance. Last evaluated: 2025-09-07. Review status: criteria provided, single submitter. Criteria: Ambry Variant Classification Scheme 2023. Collection method: clinical testing. Allele origin: germline.
Comment: The p.H830P variant (also known as c.2489A>C), located in coding exon 6 of the CDK12 gene, results from an A to C substitution at nucleotide position 2489. The histidine at codon 830 is replaced by proline, an amino acid with similar properties. This amino acid position is conserved. In addition, the in silico prediction for this alteration is inconclusive. Based on the available evidence, the clinical significance of this variant remains unclear.

NM_016507.4(CDK12):c.2489A>C (p.His830Pro)

Gene: CDK12 (cyclin dependent kinase 12; plus strand). Cytogenetic location: 17q12.
Variant type: single nucleotide variant.
Coding change: c.2489A>C on transcript NM_016507.4 (MANE Select); coding-DNA position 2489, A replaced by C.
Protein change: p.His830Pro; replaces histidine 830 with proline.
Molecular consequence: missense variant.
Genome position (GRCh38, 1-based): chr17:39,501,319, A>C. VCF-style: chr17-39501319-A-C. GRCh37 (hg19) VCF-style: chr17-37657572-A-C.
Other names: c.2489A>C, p.His830Pro (NM_015083.4); short protein forms H830P.
Identifiers: ClinVar variation 4224445 (VCV004224445.1).